The following is an entry in ClinVar:

ClinVar aggregate classification (germline): Uncertain significance (1 of 4 stars; one submission).

Conditions:
Ectodermal dysplasia 14, hair/tooth type with or without hypohidrosis. Identifiers: Orphanet 685067, MedGen C4748560, MONDO:0032584, OMIM 618180.

Submission:

3billion
Classification: Uncertain significance for Ectodermal dysplasia 14, hair/tooth type with or without hypohidrosis. Last evaluated: 2024-06-20. Review status: criteria provided, single submitter. Criteria: ACMG Guidelines, 2015. Collection method: clinical testing. Allele origin: germline. Affected: yes.
Comment: The variant is not observed in the gnomAD v4.0.0 dataset. Predicted Consequence/Location: Stop-gained (nonsense): predicted to result in a loss or disruption of normal protein function through nonsense-mediated decay (NMD) or protein truncation. Multiple pathogenic variants are reported downstream of the variant. The variant has been reported to be associated with TSPEAR related disorder (ClinVar ID: VCV001942560). Therefore, this variant is classified as Pathogenic according to the recommendation of ACMG/AMP guideline.

NM_144991.3(TSPEAR):c.686T>C (p.Leu229Pro)

Gene: TSPEAR (thrombospondin type laminin G domain and EAR repeats; minus strand). Cytogenetic location: 21q22.3.
Variant type: single nucleotide variant.
Coding change: c.686T>C on transcript NM_144991.3 (MANE Select); coding-DNA position 686, T replaced by C.
Protein change: p.Leu229Pro; replaces leucine 229 with proline.
Molecular consequence: missense variant.
Genome position (GRCh38, 1-based): chr21:44,529,902, A>G on the plus strand (T>C on the coding strand, the complement: TSPEAR is on the minus strand). VCF-style: chr21-44529902-A-G. GRCh37 (hg19) VCF-style: chr21-45949785-A-G.
Other names: c.482T>C, p.Leu161Pro (NM_001272037.2); short protein forms L161P, L229P.
Identifiers: ClinVar variation 4293092 (VCV004293092.1).